The following is an entry in ClinVar:

ClinVar aggregate classification (germline): Uncertain significance. Review status: criteria provided, multiple submitters, no conflicts (2 of 4 stars). 2 submissions from 2 submitters: Uncertain significance (2). Last evaluated 2026-04-07.

Conditions:
Ehlers-Danlos syndrome, classic type, 1 (EDSCL1). Also called: EHLERS-DANLOS SYNDROME, GRAVIS TYPE; EHLERS-DANLOS SYNDROME, SEVERE CLASSIC TYPE; Ehlers-Danlos syndrome, type 1; Ehlers-Danlos Syndrome, Classic Type, COL5A1-Related; EDS I. Identifiers: MedGen C0268335, MONDO:0019567, OMIM 130000.

Allele frequency attached by ClinVar (database versions not stated): gnomAD exomes below 0.00001; gnomAD 0.00005; 1000 Genomes Project 30x 0.00016; 1000 Genomes Project 0.00020; ExAC 0.00002; TOPMed 0.00005.
gnomAD v4.1: 8 of 1,611,692 alleles (0.0005%); highest among the groups gnomAD compares: African/African-American, 0.0093%; no homozygotes.

Submissions (2):

Women's Health and Genetics/Laboratory Corporation of America, LabCorp
Classification: Uncertain significance. Last evaluated: 2026-04-07. Review status: criteria provided, single submitter. Criteria: LabCorp Variant Classification Summary - May 2015. Collection method: clinical testing. Allele origin: germline.
Comment: Variant summary: COL5A2 c.1770+4A>G alters a conserved nucleotide located close to a canonical splice site and therefore could affect mRNA splicing, leading to a significantly altered protein sequence. Several computational tools predict a significant impact on normal splicing: Four predict the variant weakens a 5' donor site. Three predict the variant strengthens a cryptic 5' donor site. However, these predictions have yet to be confirmed by functional studies. The variant allele was found at a frequency of 1.2e-05 in 250708 control chromosomes. The available data on variant occurrences in the general population are insufficient to allow any conclusion about variant significance. To our knowledge, no occurrence of c.1770+4A>G in individuals affected with COL5A2-related conditions and no experimental evidence demonstrating its impact on protein function have been reported. ClinVar contains an entry for this variant (Variation ID: 2725672). Based on the evidence outlined above, the variant was classified as uncertain significance.

Labcorp Genetics (formerly Invitae), Labcorp
Classification: Uncertain significance for Ehlers-Danlos syndrome, classic type, 1. Last evaluated: 2023-09-12. Review status: criteria provided, single submitter. Criteria: Invitae Variant Classification Sherloc (09022015). Collection method: clinical testing. Allele origin: germline.
Comment: This variant is present in population databases (rs200097779, gnomAD 0.02%). This sequence change falls in intron 26 of the COL5A2 gene. It does not directly change the encoded amino acid sequence of the COL5A2 protein. It affects a nucleotide within the consensus splice site. This variant has not been reported in the literature in individuals affected with COL5A2-related conditions. Variants that disrupt the consensus splice site are a relatively common cause of aberrant splicing (PMID: 17576681, 9536098). Algorithms developed to predict the effect of sequence changes on RNA splicing suggest that this variant may create or strengthen a splice site. In summary, the available evidence is currently insufficient to determine the role of this variant in disease. Therefore, it has been classified as a Variant of Uncertain Significance.

Literature cited by the submitters: PubMed 17576681 (cited by Labcorp Genetics (formerly Invitae), Labcorp); PubMed 9536098 (cited by Labcorp Genetics (formerly Invitae), Labcorp).

NM_000393.5(COL5A2):c.1770+4A>G

Gene: COL5A2 (collagen type V alpha 2 chain; minus strand). Cytogenetic location: 2q32.2.
Variant type: single nucleotide variant.
Coding change: c.1770+4A>G on transcript NM_000393.5 (MANE Select); 4 bases into the intron after coding-DNA position 1770, A replaced by G.
Molecular consequence: intron variant.
Genome position (GRCh38, 1-based): chr2:189,063,976, T>C on the plus strand (A>G on the coding strand, the complement: COL5A2 is on the minus strand). VCF-style: chr2-189063976-T-C. GRCh37 (hg19) VCF-style: chr2-189928702-T-C.
Identifiers: ClinVar variation 2725672 (VCV002725672.2), dbSNP rs200097779, ClinGen allele CA2022587.
Genomic context (GRCh38, chr2:189,063,976, plus strand): 5'-TCATTTAAGTTGCATGTCTGTTGAAAAATATTAGTGGTTGTGGACTTCTGTTTAAATTAC[T>C]TACCAAAGGTCCAAGTTTTCCTTCAGGACCTTGAACACCAGGATTTCCTGTCAAACCCTG-3'